The following is an entry in ClinVar:

NC_000002.12:g.(?_25234259)_(25345952_?)del

Genes: DNMT3A (DNA methyltransferase 3 alpha; minus strand), MIR1301 (microRNA 1301; minus strand), LOC122756673 (Sharpr-MPRA regulatory region 14395; plus strand), LOC129933287 (ATAC-STARR-seq lymphoblastoid silent region 11248; plus strand), LOC129933288 (ATAC-STARR-seq lymphoblastoid silent region 11249; plus strand) and 10 more. Cytogenetic location: 2p23.3.
Variant type: Deletion.
Identifiers: ClinVar variation 584232 (VCV000584232.1).

ClinVar aggregate classification (germline): Pathogenic (1 of 4 stars; one submission).

Conditions:
Tatton-Brown-Rahman overgrowth syndrome. Also called: Tall stature-intellectual disability-facial dysmorphism syndrome; Tatton-Brown-Rahman syndrome. Identifiers: Orphanet 404443, MedGen C4014545, MONDO:0014382, OMIM 615879.

Submission:

Labcorp Genetics (formerly Invitae), Labcorp
Classification: Pathogenic for Tatton-Brown-rahman syndrome. Last evaluated: 2018-06-28. Review status: criteria provided, single submitter. Criteria: Invitae Variant Classification Sherloc (09022015). Collection method: clinical testing. Allele origin: germline.
Comment: A gross deletion of the genomic region encompassing the full coding sequence of the DNMT3A gene has been identified. The boundaries of this event are unknown as the deletion extends beyond the assayed region for this gene and therefore may encompass additional genes. A similar deletion of DMT3A, which included additional genes, has been observed in an individual affected with Tatton-Brown-Rahman syndrome (PMID:Â¬â€ 26866722). Loss-of-function variants in DNMT3A are known to be pathogenic (PMID: 24614070). For these reasons, this variant has been classified as Pathogenic.